The following is an entry in ClinVar:

NM_006005.3(WFS1):c.2492G>A (p.Gly831Asp)

Gene: WFS1 (wolframin ER transmembrane glycoprotein; plus strand). Cytogenetic location: 4p16.1.
Variant type: single nucleotide variant.
Coding change: c.2492G>A on transcript NM_006005.3 (MANE Select); coding-DNA position 2492, G replaced by A.
Protein change: p.Gly831Asp; replaces glycine 831 with aspartic acid.
Molecular consequence: missense variant.
Genome position (GRCh38, 1-based): chr4:6,302,287, G>A. VCF-style: chr4-6302287-G-A. GRCh37 (hg19) VCF-style: chr4-6304014-G-A.
Other names: WFS1, GLY831ASP (rs28937895); c.2492G>A, p.Gly831Asp (NM_001145853.1); short protein forms G831D.
Identifiers: ClinVar variation 4523 (VCV000004523.21), dbSNP rs28937895, ClinGen allele CA253203.

ClinVar aggregate classification (germline): Conflicting classifications of pathogenicity. Review status: criteria provided, conflicting classifications (1 of 4 stars). 5 submissions from 5 submitters: Likely pathogenic (1); Uncertain significance (3). 1 of the submissions does not count toward it. Last evaluated 2026-02-04.

Conditions:
WFS1-related disorder. Identifiers: MedGen CN379391, MONDO:0700293.
Autosomal dominant nonsyndromic hearing loss 6 (LFSNHL). Also called: Autosomal dominant nonsyndromic deafness 6; DEAFNESS, AUTOSOMAL DOMINANT 14; DEAFNESS, AUTOSOMAL DOMINANT 38; DEAFNESS, AUTOSOMAL DOMINANT 6. Identifiers: Orphanet 90635, MedGen C1833021, MONDO:0010963, OMIM 600965.

Allele frequency attached by ClinVar (database versions not stated): ExAC 0.00001; gnomAD 0.00001; gnomAD exomes 0.00001; TOPMed 0.00002.
gnomAD v4.1: 10 of 1,604,952 alleles (0.00062%); highest among the groups gnomAD compares: Non-Finnish European, 0.00085%; no homozygotes.

Submissions (5):

GeneDx
Classification: Likely pathogenic. Last evaluated: 2026-02-04. Review status: criteria provided, single submitter. Criteria: GeneDx Variant Classification Process June 2021. Collection method: clinical testing. Allele origin: germline. Affected: yes.
Comment: In silico analysis supports that this missense variant has a deleterious effect on protein structure/function; Not observed at significant frequency in large population cohorts (gnomAD); This variant is associated with the following publications: (PMID: 12073007, 11709537, 37121227, 39379762, 37808701)

Labcorp Genetics (formerly Invitae), Labcorp
Classification: Uncertain significance. Last evaluated: 2025-07-22. Review status: criteria provided, single submitter. Criteria: Invitae Variant Classification Sherloc (09022015). Collection method: clinical testing. Allele origin: germline.
Comment: This sequence change replaces glycine, which is neutral and non-polar, with aspartic acid, which is acidic and polar, at codon 831 of the WFS1 protein (p.Gly831Asp). This variant is present in population databases (rs28937895, gnomAD 0.002%). This missense change has been observed in individual(s) with deafness (PMID: 11709537, 12073007). ClinVar contains an entry for this variant (Variation ID: 4523). Invitae Evidence Modeling of protein sequence and biophysical properties (such as structural, functional, and spatial information, amino acid conservation, physicochemical variation, residue mobility, and thermodynamic stability) indicates that this missense variant is expected to disrupt WFS1 protein function with a positive predictive value of 95%. In summary, the available evidence is currently insufficient to determine the role of this variant in disease. Therefore, it has been classified as a Variant of Uncertain Significance.

PreventionGenetics, part of Exact Sciences
Classification: Uncertain significance for WFS1-related condition. Last evaluated: 2025-07-17. Review status: criteria provided, single submitter. Criteria: ACMG Guidelines, 2015. Collection method: clinical testing. Allele origin: germline.
Comment: The WFS1 c.2492G>A variant is predicted to result in the amino acid substitution p.Gly831Asp. This variant was reported in the heterozygous state in three individuals with low frequency sensorineural hearing loss from a single family, although one obligate heterozygote was not indicated to be affected (referred to as 2662G>A, Bespalova et al. 2001. PubMed ID: 11709537). This variant is reported in 0.0018% of alleles in individuals of European (Non-Finnish) descent in gnomAD. A different substitution (Ser) at this amino acid position has been reported as de novo in a patient with hearing loss (Häkli et al. 2014. PubMed ID: 24909696). Although we suspect that this variant may be pathogenic, at this time, the clinical significance of this variant is uncertain due to the absence of conclusive functional and genetic evidence.

Blueprint Genetics
Classification: Uncertain significance. Last evaluated: 2022-09-21. Review status: criteria provided, single submitter. Criteria: ACMG Guidelines, 2015. Collection method: clinical testing. Allele origin: germline.

OMIM
Classification: Pathogenic for DEAFNESS, AUTOSOMAL DOMINANT 6. Last evaluated: 2002-05-01. Review status: no assertion criteria provided. Collection method: literature only. Allele origin: germline. Not counted in ClinVar's aggregate classification.

Literature cited by the submitters: PubMed 11709537 (cited by Labcorp Genetics (formerly Invitae), Labcorp and OMIM); PubMed 12073007 (cited by Labcorp Genetics (formerly Invitae), Labcorp and OMIM).